The following is an entry in ClinVar:

NM_198173.3(GRHL3):c.1336dup (p.Leu446fs)

Gene: GRHL3 (grainyhead like transcription factor 3; plus strand). Cytogenetic location: 1p36.11.
Variant type: Duplication.
Coding change: c.1336dup on transcript NM_198173.3 (MANE Select); coding-DNA position 1336, one base duplicated (C; older notation c.1336dupC).
Protein change: p.Leu446fs; shifts the reading frame from leucine 446.
Molecular consequence: frameshift variant.
Genome position (GRCh38, 1-based): chr1:24,342,942, C duplicated; the last of 2 consecutive C bases (chr1:24,342,941-24,342,942); duplicating either gives the same sequence. VCF-style (leftmost placement, unchanged base first): chr1-24342940-A-AC. GRCh37 (hg19) VCF-style: chr1-24669430-A-AC.
Other names: c.1198dup, p.Leu400fs (NM_001195010.2); c.1351dup, p.Leu451fs (NM_021180.4); c.1336dup, p.Leu446fs (NM_198174.3); short protein forms L451fs, L400fs, L446fs.
Identifiers: ClinVar variation 4992843 (VCV004992843.1).

ClinVar aggregate classification (germline): Likely pathogenic (1 of 4 stars; one submission).

Conditions:
GRHL3-related disorder. Also called: GRHL3-related condition.

Submission:

PreventionGenetics, part of Exact Sciences
Classification: Likely pathogenic for GRHL3-related condition. Last evaluated: 2026-01-16. Review status: criteria provided, single submitter. Criteria: ACMG Guidelines, 2015. Collection method: clinical testing. Allele origin: germline.
Comment: The GRHL3 c.1336dupC variant is predicted to result in a frameshift and premature protein termination (p.Leu446Profs*6). To our knowledge, this variant has not been reported in the literature or in a large population database (gnomAD), indicating this variant is rare. Frameshift variants in GRHL3 are expected to be pathogenic. This variant is interpreted as likely pathogenic.